The following is an entry in ClinVar:

NM_001127511.3(APC):c.-81A>G

Gene: APC (APC regulator of Wnt signaling pathway; plus strand). Cytogenetic location: 5q22.2.
Variant type: single nucleotide variant.
Coding change: c.-81A>G on transcript NM_001127511.3; 81 bases upstream of the start codon, A replaced by G.
Molecular consequence: 5 prime UTR variant. On other transcripts: non-coding transcript variant (2).
Genome position (GRCh38, 1-based): chr5:112,707,637, A>G. VCF-style: chr5-112707637-A-G. GRCh37 (hg19) VCF-style: chr5-112043334-A-G.
Other names: c.-264A>G (NM_001354895.2, NM_001407447.1, NM_001407452.1 and 3 more transcripts); c.-81A>G (NM_001354897.2, NM_001354902.2, NM_001407446.1); c.-31A>G (NM_001407448.1, NM_001407450.1, NM_001407457.1 and 1 more transcripts); c.-55A>G (NM_001407453.1); c.-1299A>G (NM_001407470.1, NM_001407472.1).
Identifiers: ClinVar variation 998515 (VCV000998515.9), dbSNP rs1395227226, ClinGen allele CA802057216.

ClinVar aggregate classification (germline): Uncertain significance (1 of 4 stars; one submission).

Conditions:
Familial adenomatous polyposis 1 (FAP1). Also called: FAMILIAL ADENOMATOUS POLYPOSIS 1, ATTENUATED; POLYPOSIS, ADENOMATOUS INTESTINAL. Identifiers: MedGen C2713442, MONDO:0021056, OMIM 175100. Disease mechanism: loss of function.

Allele frequency attached by ClinVar (database versions not stated): TOPMed 0.00002; gnomAD 0.00001.
gnomAD v4.1: 9 of 1,347,704 alleles (0.00067%); highest among the groups gnomAD compares: Admixed American, 0.011%; no homozygotes.

Submission:

Labcorp Genetics (formerly Invitae), Labcorp
Classification: Uncertain significance for Familial adenomatous polyposis 1. Last evaluated: 2025-09-30. Review status: criteria provided, single submitter. Criteria: Invitae Variant Classification Sherloc (09022015). Collection method: clinical testing. Allele origin: germline.
Comment: This variant occurs in a non-coding region of the APC gene. It does not change the encoded amino acid sequence of the APC protein. This variant is not present in population databases (gnomAD no frequency). This variant has not been reported in the literature in individuals affected with APC-related conditions. Experimental studies and prediction algorithms are not available or were not evaluated, and the functional significance of this variant is currently unknown. In summary, the available evidence is currently insufficient to determine the role of this variant in disease. Therefore, it has been classified as a Variant of Uncertain Significance.